The following is an entry in ClinVar:

ClinVar aggregate classification (germline): Uncertain significance. Review status: criteria provided, multiple submitters, no conflicts (2 of 4 stars). 3 submissions from 3 submitters: Uncertain significance (3). Last evaluated 2025-09-22.

Conditions:
Wilms tumor 6 (WT6). Also called: WILMS TUMOR 6, SUSCEPTIBILITY TO. Identifiers: Orphanet 654, MedGen C3891301, MONDO:0014779, OMIM 616806.
REST-related disorder. Also called: REST-related condition.

Allele frequency attached by ClinVar (database versions not stated): ExAC 0.00003; gnomAD 0.00007; ESP Exome Variant Server 0.00008; TOPMed 0.00008; gnomAD exomes 0.00001.
gnomAD v4.1: 20 of 1,614,034 alleles (0.0012%); highest among the groups gnomAD compares: African/African-American, 0.021%; no homozygotes.

Submissions (3):

PreventionGenetics, part of Exact Sciences
Classification: Uncertain significance for REST-related condition. Last evaluated: 2025-09-22. Review status: criteria provided, single submitter. Criteria: ACMG Guidelines, 2015. Collection method: clinical testing. Allele origin: germline.
Comment: The REST c.412A>G variant is predicted to result in the amino acid substitution p.Lys138Glu. To our knowledge, this variant has not been reported in the literature. This variant is reported in 0.024% of alleles in individuals of African descent in population database (gnomAD). Although we suspect that this variant is benign, at this time, the clinical significance of this variant is uncertain due to the absence of conclusive functional and genetic evidence.

St. Jude Molecular Pathology, St. Jude Children's Research Hospital
Classification: Uncertain significance for Wilms tumor 6. Last evaluated: 2024-07-25. Review status: criteria provided, single submitter. Criteria: St. Jude Assertion Criteria 2020. Collection method: clinical testing. Allele origin: germline.
Comment: The REST c.412A>G (p.Lys138Glu) missense change has a maximum subpopulation frequency of 0.02% in gnomAD v2.1.1. The in silico tool REVEL predicts a benign effect on protein function, but to our knowledge this prediction has not been confirmed by functional studies. To our knowledge, this variant has not been reported in individuals with Wilms tumor. In summary, the evidence currently available is insufficient to determine the clinical significance of this variant. It has therefore been classified as of uncertain significance.

Labcorp Genetics (formerly Invitae), Labcorp
Classification: Uncertain significance. Last evaluated: 2023-10-05. Review status: criteria provided, single submitter. Criteria: Invitae Variant Classification Sherloc (09022015). Collection method: clinical testing. Allele origin: germline.
Comment: This sequence change replaces lysine, which is basic and polar, with glutamic acid, which is acidic and polar, at codon 138 of the REST protein (p.Lys138Glu). This variant is present in population databases (rs374614406, gnomAD 0.02%). This variant has not been reported in the literature in individuals affected with REST-related conditions. Algorithms developed to predict the effect of missense changes on protein structure and function output the following: SIFT: "Not Available"; PolyPhen-2: "Benign"; Align-GVGD: "Not Available". The glutamic acid amino acid residue is found in multiple mammalian species, which suggests that this missense change does not adversely affect protein function. In summary, the available evidence is currently insufficient to determine the role of this variant in disease. Therefore, it has been classified as a Variant of Uncertain Significance.

NM_005612.5(REST):c.412A>G (p.Lys138Glu)

Gene: REST (RE1 silencing transcription factor; plus strand). Cytogenetic location: 4q12.
Variant type: single nucleotide variant.
Coding change: c.412A>G on transcript NM_005612.5 (MANE Select); coding-DNA position 412, A replaced by G.
Protein change: p.Lys138Glu; replaces lysine 138 with glutamic acid.
Molecular consequence: missense variant.
Genome position (GRCh38, 1-based): chr4:56,911,050, A>G. VCF-style: chr4-56911050-A-G. GRCh37 (hg19) VCF-style: chr4-57777216-A-G.
Other names: c.412A>G, p.Lys138Glu (NM_001193508.2, NM_001363453.3); c.412A>G (NM_005612.4); short protein forms K138E.
Identifiers: ClinVar variation 2726617 (VCV002726617.5), dbSNP rs374614406, ClinGen allele CA2932100.